The following is an entry in ClinVar:

NM_001854.4(COL11A1):c.1349C>A (p.Ala450Glu)

Gene: COL11A1 (collagen type XI alpha 1 chain; minus strand). Cytogenetic location: 1p21.1.
Variant type: single nucleotide variant.
Coding change: c.1349C>A on transcript NM_001854.4 (MANE Select); coding-DNA position 1349, C replaced by A.
Protein change: p.Ala450Glu; replaces alanine 450 with glutamic acid.
Molecular consequence: missense variant. On other transcripts: non-coding transcript variant (1).
Genome position (GRCh38, 1-based): chr1:103,018,819, G>T on the plus strand (C>A on the coding strand, the complement: COL11A1 is on the minus strand). VCF-style: chr1-103018819-G-T. GRCh37 (hg19) VCF-style: chr1-103484375-G-T.
Other names: c.1001C>A, p.Ala334Glu (NM_001168249.1, NM_080630.4); c.1232C>A, p.Ala411Glu (NM_001190709.2); c.1385C>A, p.Ala462Glu (NM_080629.3); short protein forms A334E, A411E, A450E, A462E.
Identifiers: ClinVar variation 2989703 (VCV002989703.3), dbSNP rs1666769900, ClinGen allele CA341180320.

ClinVar aggregate classification (germline): Uncertain significance (1 of 4 stars; one submission).

Allele frequency attached by ClinVar (database versions not stated): TOPMed below 0.00001.

Submission:

Labcorp Genetics (formerly Invitae), Labcorp
Classification: Uncertain significance. Last evaluated: 2024-11-30. Review status: criteria provided, single submitter. Criteria: Invitae Variant Classification Sherloc (09022015). Collection method: clinical testing. Allele origin: germline.
Comment: This sequence change replaces alanine, which is neutral and non-polar, with glutamic acid, which is acidic and polar, at codon 450 of the COL11A1 protein (p.Ala450Glu). This variant is not present in population databases (gnomAD no frequency). This variant has not been reported in the literature in individuals affected with COL11A1-related conditions. ClinVar contains an entry for this variant (Variation ID: 2989703). An algorithm developed to predict the effect of missense changes on protein structure and function (PolyPhen-2) suggests that this variant is likely to be disruptive. In summary, the available evidence is currently insufficient to determine the role of this variant in disease. Therefore, it has been classified as a Variant of Uncertain Significance.